The following is an entry in ClinVar:

ClinVar aggregate classification (germline): Uncertain significance. Review status: criteria provided, multiple submitters, no conflicts (2 of 4 stars). 3 submissions from 3 submitters: Uncertain significance (3). Last evaluated 2024-12-12.

Conditions:
Inborn genetic diseases. Identifiers: MedGen C0950123, MeSH D030342.

gnomAD v4.1: 44 of 1,613,354 alleles (0.0027%); highest among the groups gnomAD compares: South Asian, 0.015%; no homozygotes.

Submissions (3):

GeneDx
Classification: Uncertain significance. Last evaluated: 2024-12-12. Review status: criteria provided, single submitter. Criteria: GeneDx Variant Classification Process June 2021. Collection method: clinical testing. Allele origin: germline. Affected: yes.
Comment: In silico analysis supports that this missense variant has a deleterious effect on protein structure/function; Has not been previously published as pathogenic or benign to our knowledge

Labcorp Genetics (formerly Invitae), Labcorp
Classification: Uncertain significance. Last evaluated: 2023-10-29. Review status: criteria provided, single submitter. Criteria: Invitae Variant Classification Sherloc (09022015). Collection method: clinical testing. Allele origin: germline.
Comment: This sequence change replaces threonine, which is neutral and polar, with methionine, which is neutral and non-polar, at codon 1646 of the NALCN protein (p.Thr1646Met). This variant is present in population databases (rs771714484, gnomAD 0.01%). This variant has not been reported in the literature in individuals affected with NALCN-related conditions. ClinVar contains an entry for this variant (Variation ID: 2482564). Advanced modeling of protein sequence and biophysical properties (such as structural, functional, and spatial information, amino acid conservation, physicochemical variation, residue mobility, and thermodynamic stability) performed at Invitae indicates that this missense variant is not expected to disrupt NALCN protein function with a negative predictive value of 80%. In summary, the available evidence is currently insufficient to determine the role of this variant in disease. Therefore, it has been classified as a Variant of Uncertain Significance.

Ambry Genetics
Classification: Uncertain significance for Inborn genetic diseases. Last evaluated: 2023-02-09. Review status: criteria provided, single submitter. Criteria: Ambry Variant Classification Scheme 2023. Collection method: clinical testing. Allele origin: germline.

NM_052867.4(NALCN):c.4937C>T (p.Thr1646Met)

Genes: NALCN (sodium leak channel, non-selective; minus strand), NALCN-AS1 (NALCN antisense RNA 1; plus strand). Cytogenetic location: 13q32.3.
Variant type: single nucleotide variant.
Coding change: c.4937C>T on transcript NM_052867.4 (MANE Select); coding-DNA position 4937, C replaced by T.
Protein change: p.Thr1646Met; replaces threonine 1646 with methionine.
Molecular consequence: missense variant. On other transcripts: non-coding transcript variant (1).
Genome position (GRCh38, 1-based): chr13:101,058,025, G>A on the plus strand (C>T on the coding strand, the complement: NALCN is on the minus strand). VCF-style: chr13-101058025-G-A. GRCh37 (hg19) VCF-style: chr13-101710377-G-A.
Other names: c.5024C>T, p.Thr1675Met (NM_001350748.2); c.4937C>T, p.Thr1646Met (NM_001350749.2); c.4850C>T, p.Thr1617Met (NM_001350750.2, NM_001350751.2); short protein forms T1646M, T1617M, T1675M.
Identifiers: ClinVar variation 2482564 (VCV002482564.6), dbSNP rs771714484, ClinGen allele CA7034969.